The following is an entry in ClinVar:

ClinVar aggregate classification (germline): Uncertain significance (1 of 4 stars; one submission).

Conditions:
Leigh syndrome (NULS). Also called: Leigh's necrotizing encephalopathy; Leigh's disease; Leigh's syndrome; LEIGH SYNDROME, NUCLEAR; Leigh Syndrome (mtDNA deletion); Leigh Disease. Identifiers: Orphanet 506, MedGen C2931891, MONDO:0009723, OMIM 256000.

Submission:

Wong Mito Lab, Molecular and Human Genetics, Baylor College of Medicine
Classification: Uncertain significance for Leigh syndrome. Last evaluated: 2019-10-17. Review status: criteria provided, single submitter. Criteria: Modified ACMG Guidelines (Unpublished). Collection method: clinical testing. Allele origin: germline.
Comment: The NC_012920.1:m.14180T>G (YP_003024037.1:p.Tyr165Ser) variant in MTND6 gene is interpretated to be a Uncertain Significance variant based on the modified ACMG guidelines (unpublished). This variant meets the following evidence codes: PP4

NC_012920.1(MT-ND6):m.14180T>G

Gene: MT-ND6 (mitochondrially encoded NADH dehydrogenase 6; minus strand).
Variant type: single nucleotide variant.
Genome position: chrM-14180-T-G.
Identifiers: ClinVar variation 693683 (VCV000693683.1), dbSNP rs200933339, ClinGen allele CA414821268.